The following is an entry in ClinVar:

NM_052963.3(TOP1MT):c.1503G>T (p.Leu501=)

Gene: TOP1MT (DNA topoisomerase I mitochondrial; minus strand). Cytogenetic location: 8q24.3.
Variant type: single nucleotide variant.
Coding change: c.1503G>T on transcript NM_052963.3 (MANE Select); coding-DNA position 1503, G replaced by T.
Protein change: p.Leu501=; no amino-acid change (leucine 501 retained).
Molecular consequence: synonymous variant.
Genome position (GRCh38, 1-based): chr8:143,315,777, C>A on the plus strand (G>T on the coding strand, the complement: TOP1MT is on the minus strand). VCF-style: chr8-143315777-C-A. GRCh37 (hg19) VCF-style: chr8-144397947-C-A.
Other names: c.1209G>T, p.Leu403= (NM_001258446.1, NM_001258447.1).
Identifiers: ClinVar variation 1901175 (VCV001901175.5), dbSNP rs1435099087, ClinGen allele CA463363218.

ClinVar aggregate classification (germline): Uncertain significance (1 of 4 stars; one submission).

Allele frequency attached by ClinVar (database versions not stated): gnomAD 0.00001; gnomAD exomes 0.00001; TOPMed 0.00005.
gnomAD v4.1: 4 of 1,613,916 alleles (0.00025%); highest among the groups gnomAD compares: African/African-American, 0.0053%; no homozygotes.

Submission:

Labcorp Genetics (formerly Invitae), Labcorp
Classification: Uncertain significance. Last evaluated: 2023-06-29. Review status: criteria provided, single submitter. Criteria: Invitae Variant Classification Sherloc (09022015). Collection method: clinical testing. Allele origin: germline.
Comment: In summary, the available evidence is currently insufficient to determine the role of this variant in disease. Therefore, it has been classified as a Variant of Uncertain Significance. Algorithms developed to predict the effect of sequence changes on RNA splicing suggest that this variant may disrupt the consensus splice site. ClinVar contains an entry for this variant (Variation ID: 1901175). This variant has not been reported in the literature in individuals affected with TOP1MT-related conditions. The frequency data for this variant in the population databases is considered unreliable, as metrics indicate poor data quality at this position in the gnomAD database. This sequence change affects codon 501 of the TOP1MT mRNA. It is a 'silent' change, meaning that it does not change the encoded amino acid sequence of the TOP1MT protein.